The following is an entry in ClinVar:

NM_000038.6(APC):c.6755C>A (p.Pro2252His)

Gene: APC (APC regulator of Wnt signaling pathway; plus strand). Cytogenetic location: 5q22.2.
Variant type: single nucleotide variant.
Coding change: c.6755C>A on transcript NM_000038.6 (MANE Select); coding-DNA position 6755, C replaced by A.
Protein change: p.Pro2252His; replaces proline 2252 with histidine.
Molecular consequence: missense variant.
Genome position (GRCh38, 1-based): chr5:112,842,349, C>A. VCF-style: chr5-112842349-C-A. GRCh37 (hg19) VCF-style: chr5-112178046-C-A.
Other names: c.6755C>A, p.Pro2252His (NM_001127510.3, NM_001354895.2); c.6701C>A, p.Pro2234His (NM_001127511.3); c.6809C>A, p.Pro2270His (NM_001354896.2); c.6785C>A, p.Pro2262His (NM_001354897.2); c.6680C>A, p.Pro2227His (NM_001354898.2); c.6671C>A, p.Pro2224His (NM_001354899.2); c.6632C>A, p.Pro2211His (NM_001354900.2); c.6578C>A, p.Pro2193His (NM_001354901.2); and 5 more; short protein forms P2151H, P2161H, P2211H, P2126H, P2227H, P2262H, P1969H, P2092H.
Identifiers: ClinVar variation 922964 (VCV000922964.19), dbSNP rs574050786, ClinGen allele CA16036090.
Genomic context (GRCh38, chr5:112,842,349, plus strand): 5'-ATATTCCAGGAGTTCGAAATAGCTCCTCAAGTACAAGTCCTGTTTCTAAAAAAGGCCCAC[C>A]CCTTAAGACTCCAGCCTCCAAAAGCCCTAGTGAAGGTCAAACAGCCACCACTTCTCCTAG-3'
Protein context (NP_000029.2, residues 2242-2262): STSPVSKKGP[Pro2252His]LKTPASKSPS

ClinVar aggregate classification (germline): Uncertain significance. Review status: criteria provided, multiple submitters, no conflicts (2 of 4 stars). 4 submissions from 4 submitters: Uncertain significance (4). Last evaluated 2024-12-17.

Conditions:
Hereditary cancer-predisposing syndrome. Also called: Neoplastic Syndromes, Hereditary; Tumor predisposition; Hereditary Cancer Syndrome; Hereditary neoplastic syndrome. Identifiers: Orphanet 140162, MedGen C0027672, MeSH D009386, MONDO:0015356.
Classic or attenuated familial adenomatous polyposis. Identifiers: MedGen CN372698, MONDO:0021057.
Familial adenomatous polyposis 1 (FAP1). Also called: FAMILIAL ADENOMATOUS POLYPOSIS 1, ATTENUATED; POLYPOSIS, ADENOMATOUS INTESTINAL. Identifiers: MedGen C2713442, MONDO:0021056, OMIM 175100. Disease mechanism: loss of function.

Submissions (4):

Labcorp Genetics (formerly Invitae), Labcorp
Classification: Uncertain significance for Familial adenomatous polyposis 1. Last evaluated: 2024-12-17. Review status: criteria provided, single submitter. Criteria: Invitae Variant Classification Sherloc (09022015). Collection method: clinical testing. Allele origin: germline.
Comment: This sequence change replaces proline, which is neutral and non-polar, with histidine, which is basic and polar, at codon 2252 of the APC protein (p.Pro2252His). This variant is not present in population databases (gnomAD no frequency). This variant has not been reported in the literature in individuals affected with APC-related conditions. ClinVar contains an entry for this variant (Variation ID: 922964). Invitae Evidence Modeling of protein sequence and biophysical properties (such as structural, functional, and spatial information, amino acid conservation, physicochemical variation, residue mobility, and thermodynamic stability) indicates that this missense variant is not expected to disrupt APC protein function with a negative predictive value of 95%. In summary, the available evidence is currently insufficient to determine the role of this variant in disease. Therefore, it has been classified as a Variant of Uncertain Significance.

Ambry Genetics
Classification: Uncertain significance for Hereditary cancer-predisposing syndrome. Last evaluated: 2024-12-12. Review status: criteria provided, single submitter. Criteria: Ambry Variant Classification Scheme 2023. Collection method: clinical testing. Allele origin: germline.
Comment: The p.P2252H variant (also known as c.6755C>A), located in coding exon 15 of the APC gene, results from a C to A substitution at nucleotide position 6755. The proline at codon 2252 is replaced by histidine, an amino acid with similar properties. This amino acid position is well conserved in available vertebrate species. In addition, in silico predictors for this gene do not accurately predict pathogenicity. Missense alterations in APC are not a common cause of disease (Spier I et al. Genet Med. 2024 Feb;26(2):100992). Based on the available evidence, the clinical significance of this variant remains unclear.

Color Diagnostics, LLC DBA Color Health
Classification: Uncertain significance for Hereditary cancer-predisposing syndrome. Last evaluated: 2023-12-04. Review status: criteria provided, single submitter. Criteria: ACMG Guidelines, 2015. Collection method: clinical testing. Allele origin: germline.
Comment: This missense variant replaces proline with histidine at codon 2252 of the APC protein. Computational prediction suggests that this variant may not impact protein structure and function (internally defined REVEL score threshold <= 0.5, PMID: 27666373). To our knowledge, functional studies have not been reported for this variant. This variant has not been reported in individuals affected with APC-related disorders in the literature. This variant has not been identified in the general population by the Genome Aggregation Database (gnomAD). The available evidence is insufficient to determine the role of this variant in disease conclusively. Therefore, this variant is classified as a Variant of Uncertain Significance.

All of Us Research Program, National Institutes of Health
Classification: Uncertain significance for Classic or attenuated familial adenomatous polyposis. Last evaluated: 2023-08-08. Review status: criteria provided, single submitter. Criteria: ACMG Guidelines, 2015. Collection method: clinical testing. Allele origin: germline. Inheritance: Autosomal dominant inheritance. Observed: 1 variant allele, 1 heterozygote.
Comment: This study involves interpretation of variants in research participants for the purpose of population health screening. Participant phenotype was not available at the time of variant classification. Additional details can be found in publication PMID: 35346344, PMCID: PMC8962531